The following is an entry in ClinVar:

ClinVar aggregate classification (germline): Pathogenic (1 of 4 stars; one submission).

Conditions:
Meckel-Gruber syndrome. Also called: GRUBER SYNDROME; DYSENCEPHALIA SPLANCHNOCYSTICA; Dysencephalia splachnocystica. Identifiers: Orphanet 564, MedGen C0265215, MONDO:0018921.
Joubert syndrome. Also called: Familial aplasia of the vermis; JOUBERT-BOLTSHAUSER SYNDROME; CEREBELLOPARENCHYMAL DISORDER IV. Identifiers: Orphanet 475, MedGen C5979921, MONDO:0018772.
Nephronophthisis. Also called: Juvenile Nephronophthisis. Identifiers: Orphanet 655, MedGen C0687120, MONDO:0019005, HP:0000090.

gnomAD v4.1: 1 of 1,493,950 alleles (0.000067%); highest among the groups gnomAD compares: Non-Finnish European, 0.000089%; no homozygotes.

Submission:

Labcorp Genetics (formerly Invitae), Labcorp
Classification: Pathogenic for Joubert syndrome; Meckel-Gruber syndrome; Nephronophthisis. Last evaluated: 2026-01-26. Review status: criteria provided, single submitter. Criteria: Invitae Variant Classification Sherloc (09022015). Collection method: clinical testing. Allele origin: germline.
Comment: This sequence change creates a premature translational stop signal (p.Gly1340*) in the CEP290 gene. It is expected to result in an absent or disrupted protein product. Loss-of-function variants in CEP290 are known to be pathogenic (PMID: 16909394, 17345604, 20690115). This variant is not present in population databases (gnomAD no frequency). This variant has not been reported in the literature in individuals affected with CEP290-related conditions. For these reasons, this variant has been classified as Pathogenic.

Literature cited by the submitters: PubMed 16909394; PubMed 17345604; PubMed 20690115.

NM_025114.4(CEP290):c.4018G>T (p.Gly1340Ter)

Gene: CEP290 (centrosomal protein 290; minus strand). Cytogenetic location: 12q21.32.
Variant type: single nucleotide variant.
Coding change: c.4018G>T on transcript NM_025114.4 (MANE Select); coding-DNA position 4018, G replaced by T.
Protein change: p.Gly1340Ter; replaces glycine 1340 with a stop codon.
Molecular consequence: nonsense.
Genome position (GRCh38, 1-based): chr12:88,089,043, C>A on the plus strand (G>T on the coding strand, the complement: CEP290 is on the minus strand). VCF-style: chr12-88089043-C-A. GRCh37 (hg19) VCF-style: chr12-88482820-C-A.
Other names: short protein forms G1340*.
Identifiers: ClinVar variation 4783905 (VCV004783905.1).